The following is an entry in ClinVar:

ClinVar aggregate classification (germline): Conflicting classifications of pathogenicity. Review status: criteria provided, conflicting classifications (1 of 4 stars). 4 submissions from 4 submitters: Pathogenic (1); Likely pathogenic (1); Uncertain significance (1). 1 of the submissions does not count toward it. Last evaluated 2023-01-24.

Conditions:
PLA2G6-associated neurodegeneration (PLAN). Also called: phospholipase A2-associated neurodegeneration. Identifiers: Orphanet 329303, MedGen CN204472, MONDO:0017998.
Infantile neuroaxonal dystrophy (NBIA2A). Also called: Infantile neuroaxonal dystrophy 1; NEURODEGENERATION WITH BRAIN IRON ACCUMULATION 2A; SEITELBERGER DISEASE. Identifiers: Orphanet 35069, MedGen C0270724, MONDO:0024457, OMIM 256600.
Iron accumulation in brain. Identifiers: MedGen C4021076, HP:0012675.

Allele frequency attached by ClinVar (database versions not stated): gnomAD exomes 0.00001; TOPMed 0.00002; ExAC 0.00002.
gnomAD v4.1: 12 of 1,613,838 alleles (0.00074%); highest among the groups gnomAD compares: South Asian, 0.0022%; no homozygotes.

Submissions (4):

Broad Center for Mendelian Genomics, Broad Institute of MIT and Harvard
Classification: Uncertain significance for PLA2G6-associated neurodegeneration. Last evaluated: 2023-01-24. Review status: criteria provided, single submitter. Criteria: ACMG Guidelines, 2015. Collection method: curation. Allele origin: germline. Inheritance: Autosomal recessive inheritance.
Comment: The p.Arg710Cys variant in PLA2G6 has been reported in 2 individuals with PLA2G6-associated neurodegeneration (PMID: 31493945), and has been identified in 0.003% (1/30616) of South Asian chromosomes by the Genome Aggregation Database (gnomAD; dbSNP ID: rs587784347). Although this variant has been seen in the general population in a heterozygous state, its frequency is low enough to be consistent with a recessive carrier frequency. This variant has also been reported in ClinVar (Variation ID#: 159759) and has been interpreted as pathogenic by Genetic Services Laboratory (University of Chicago) and Undiagnosed Diseases Network (NIH). Of the 2 affected individuals, one of those was a homozygote, which increases the likelihood that the p.Arg710Cys variant is pathogenic (PMID: 31493945; ClinVar ID#: 159759). Computational prediction tools and conservation analyses suggest that this variant may impact the protein, though this information is not predictive enough to determine pathogenicity. In summary, the clinical significance of the p.Arg710Cys variant is uncertain. ACMG/AMP Criteria applied: PM3_supporting, PP3, PM2_supporting (Richards 2015).

Mendelics
Classification: Pathogenic for Infantile neuroaxonal dystrophy. Last evaluated: 2022-05-04. Review status: criteria provided, single submitter. Criteria: Mendelics Assertion Criteria 2019. Collection method: clinical testing. Allele origin: germline.

Genetic Services Laboratory, University of Chicago
Classification: Likely pathogenic for iron accumulation in brain. Last evaluated: 2013-02-08. Review status: criteria provided, single submitter. Criteria: ACMG Guidelines, 2007. Collection method: clinical testing. Allele origin: germline. Inheritance: Autosomal recessive inheritance. Affected: yes.

Undiagnosed Diseases Network, NIH
Classification: Likely pathogenic for Infantile neuroaxonal dystrophy. Last evaluated: 2016-04-13. Review status: no assertion criteria provided. Collection method: clinical testing. Allele origin: inherited. Inheritance: Autosomal recessive inheritance. Affected: yes. Observed: 1 homozygote. Not counted in ClinVar's aggregate classification.
Comment: Variant previously reported in two other patients with this phenotype tested the by the same laboratory (one listed in ClinVar). One patient was reportedly homozygous for this variant, while the other was compound heterozygous. Variant is rare (2 heterozygotes in ExAC).

NM_003560.4(PLA2G6):c.2128C>T (p.Arg710Cys)

Gene: PLA2G6 (phospholipase A2 group VI; minus strand). Cytogenetic location: 22q13.1.
Variant type: single nucleotide variant.
Coding change: c.2128C>T on transcript NM_003560.4 (MANE Select); coding-DNA position 2128, C replaced by T.
Protein change: p.Arg710Cys; replaces arginine 710 with cysteine.
Molecular consequence: missense variant.
Genome position (GRCh38, 1-based): chr22:38,113,561, G>A on the plus strand (C>T on the coding strand, the complement: PLA2G6 is on the minus strand). VCF-style: chr22-38113561-G-A. GRCh37 (hg19) VCF-style: chr22-38509568-G-A.
Other names: NM_003560.4(PLA2G6):c.2128C>T; p.Arg710Cys; c.1966C>T, p.Arg656Cys (NM_001004426.3, NM_001199562.3, NM_001349865.2 and 1 more transcripts); c.2128C>T, p.Arg710Cys (NM_001349864.2); c.1594C>T, p.Arg532Cys (NM_001349867.2); c.1450C>T, p.Arg484Cys (NM_001349868.2); c.1432C>T, p.Arg478Cys (NM_001349869.2); short protein forms R710C, R484C, R478C, R532C, R656C.
Identifiers: ClinVar variation 159759 (VCV000159759.10), dbSNP rs587784347, ClinGen allele CA173253.
Genomic context (GRCh38, chr22:38,113,561, plus strand): 5'-TCTTGCCCAGTTCCTTGGCCCCAAAAACAGTCTTGGCCAGCTCCCAGGGGTTGCTGGGAC[G>A]GAAGACATCCACACAGGTCACAGGCACTTGTGGGGACCTCCCTGTCCCCAGGGAGACAAC-3'
Protein context (NP_003551.2, residues 700-720): QVPVTCVDVF[Arg710Cys]PSNPWELAKT